The following is an entry in ClinVar:

NM_001375524.1(TRRAP):c.1632A>G (p.Thr544=)

Gene: TRRAP (transformation/transcription domain associated protein; plus strand). Cytogenetic location: 7q22.1.
Variant type: single nucleotide variant.
Coding change: c.1632A>G on transcript NM_001375524.1 (MANE Select); coding-DNA position 1632, A replaced by G.
Protein change: p.Thr544=; no amino-acid change (threonine 544 retained).
Molecular consequence: synonymous variant.
Genome position (GRCh38, 1-based): chr7:98,910,337, A>G. VCF-style: chr7-98910337-A-G. GRCh37 (hg19) VCF-style: chr7-98507960-A-G.
Other names: c.1632A>G, p.Thr544= (NM_001244580.2, NM_003496.4).
Identifiers: ClinVar variation 2184372 (VCV002184372.9), dbSNP rs782068101, ClinGen allele CA4359581.

ClinVar aggregate classification (germline): Likely benign. Review status: criteria provided, multiple submitters, no conflicts (2 of 4 stars). 2 submissions from 2 submitters: Likely benign (2). Last evaluated 2026-05-01.

Allele frequency attached by ClinVar (database versions not stated): gnomAD 0.00001; gnomAD exomes 0.00004; TOPMed 0.00004; ExAC 0.00008.
gnomAD v4.1: 25 of 1,610,814 alleles (0.0016%); highest among the groups gnomAD compares: Admixed American, 0.042%; no homozygotes.

Submissions (2):

CeGaT Center for Human Genetics Tuebingen
Classification: Likely benign. Last evaluated: 2026-05-01. Review status: criteria provided, single submitter. Criteria: CeGaT Center For Human Genetics Tuebingen Variant Classification Criteria Version 2. Collection method: clinical testing. Allele origin: germline. Affected: yes. Observed: 2 variant alleles.
Comment: TRRAP: BP4, BP7

Labcorp Genetics (formerly Invitae), Labcorp
Classification: Likely benign. Last evaluated: 2025-11-05. Review status: criteria provided, single submitter. Criteria: Invitae Variant Classification Sherloc (09022015). Collection method: clinical testing. Allele origin: germline.